The following is an entry in ClinVar:

NM_016204.4(GDF2):c.254C>T (p.Pro85Leu)

Gene: GDF2 (growth differentiation factor 2; plus strand). Cytogenetic location: 10q11.22.
Variant type: single nucleotide variant.
Coding change: c.254C>T on transcript NM_016204.4 (MANE Select); coding-DNA position 254, C replaced by T.
Protein change: p.Pro85Leu; replaces proline 85 with leucine.
Molecular consequence: missense variant.
Genome position (GRCh38, 1-based): chr10:47,322,922, C>T. VCF-style: chr10-47322922-C-T. GRCh37 (hg19) VCF-style: chr10-48416440-G-A.
Other names: short protein forms P85L.
Identifiers: ClinVar variation 88650 (VCV000088650.5), dbSNP rs199804679, ClinGen allele CA145270.

ClinVar aggregate classification (germline): Conflicting classifications of pathogenicity. Review status: criteria provided, conflicting classifications (1 of 4 stars). 3 submissions from 3 submitters: Pathogenic (1); Uncertain significance (1). 1 of the submissions does not count toward it. Last evaluated 2025-08-24.

Conditions:
Telangiectasia, hereditary hemorrhagic, type 5 (HHT5). Identifiers: Orphanet 774, MedGen C3809710, MONDO:0014217, OMIM 615506.

Allele frequency attached by ClinVar (database versions not stated): TOPMed 0.00002; 1000 Genomes Project 0.00040; 1000 Genomes Project 30x 0.00047; ExAC 0.00001; gnomAD 0.00001.
gnomAD v4.1: 7 of 1,614,154 alleles (0.00043%); highest among the groups gnomAD compares: South Asian, 0.0022%; no homozygotes.

Submissions (3):

Labcorp Genetics (formerly Invitae), Labcorp
Classification: Uncertain significance for Telangiectasia, hereditary hemorrhagic, type 5. Last evaluated: 2025-08-24. Review status: criteria provided, single submitter. Criteria: Invitae Variant Classification Sherloc (09022015). Collection method: clinical testing. Allele origin: germline.
Comment: This sequence change replaces proline, which is neutral and non-polar, with leucine, which is neutral and non-polar, at codon 85 of the GDF2 protein (p.Pro85Leu). This variant is present in population databases (rs199804679, gnomAD 0.003%). This missense change has been observed in individual(s) with hereditary hemorrhagic telangiectasia and/or pulmonary hypertension (PMID: 23972370, 29843651, 31727138). ClinVar contains an entry for this variant (Variation ID: 88650). Invitae Evidence Modeling of protein sequence and biophysical properties (such as structural, functional, and spatial information, amino acid conservation, physicochemical variation, residue mobility, and thermodynamic stability) indicates that this missense variant is not expected to disrupt GDF2 protein function with a negative predictive value of 80%. Experimental studies have shown that this missense change affects GDF2 function (PMID: 23972370). In summary, the available evidence is currently insufficient to determine the role of this variant in disease. Therefore, it has been classified as a Variant of Uncertain Significance.

Genetics and Genomic Medicine Centre, NeuroGen Healthcare, NeuroGen Healthcare
Classification: Pathogenic for Telangiectasia, hereditary hemorrhagic, type 5. Last evaluated: 2019-11-09. Review status: criteria provided, single submitter. Criteria: Submitter's publication. Collection method: clinical testing. Allele origin: unknown. Affected: no.

OMIM
Classification: Pathogenic for TELANGIECTASIA, HEREDITARY HEMORRHAGIC, TYPE 5. Last evaluated: 2013-09-05. Review status: no assertion criteria provided. Collection method: literature only. Allele origin: germline. Not counted in ClinVar's aggregate classification.

Literature cited by the submitters: PubMed 23972370 (cited by Labcorp Genetics (formerly Invitae), Labcorp and OMIM); PubMed 29843651 (cited by Labcorp Genetics (formerly Invitae), Labcorp); PubMed 31727138 (cited by Labcorp Genetics (formerly Invitae), Labcorp).